The following is an entry in ClinVar:

ClinVar aggregate classification (germline): Uncertain significance (1 of 4 stars; one submission).

Submission:

GeneDx
Classification: Uncertain significance. Last evaluated: 2024-07-25. Review status: criteria provided, single submitter. Criteria: GeneDx Variant Classification Process June 2021. Collection method: clinical testing. Allele origin: germline. Affected: yes.
Comment: Not observed at significant frequency in large population cohorts (gnomAD); In silico analysis supports that this missense variant has a deleterious effect on protein structure/function; Has not been previously published as pathogenic or benign to our knowledge

NM_001378974.1(FBXW11):c.1559A>G (p.Gln520Arg)

Gene: FBXW11 (F-box and WD repeat domain containing 11; minus strand). Cytogenetic location: 5q35.1.
Variant type: single nucleotide variant.
Coding change: c.1559A>G on transcript NM_001378974.1 (MANE Select); coding-DNA position 1559, A replaced by G.
Protein change: p.Gln520Arg; replaces glutamine 520 with arginine.
Molecular consequence: missense variant.
Genome position (GRCh38, 1-based): chr5:171,868,768, T>C on the plus strand (A>G on the coding strand, the complement: FBXW11 is on the minus strand). VCF-style: chr5-171868768-T-C. GRCh37 (hg19) VCF-style: chr5-171295772-T-C.
Other names: c.1490A>G, p.Gln497Arg (NM_001378975.1); c.1463A>G, p.Gln488Arg (NM_001378976.1); c.1400A>G, p.Gln467Arg (NM_001378977.1, NM_001378978.1, NM_001378979.1); c.1394A>G, p.Gln465Arg (NM_001378980.1, NM_033645.3); c.1496A>G, p.Gln499Arg (NM_012300.3); c.1457A>G, p.Gln486Arg (NM_033644.3); short protein forms Q465R, Q467R, Q486R, Q488R, Q497R, Q499R, Q520R.
Identifiers: ClinVar variation 3600647 (VCV003600647.1).